The following is an entry in ClinVar:

ClinVar aggregate classification (germline): Pathogenic (1 of 4 stars; one submission).

Submission:

Labcorp Genetics (formerly Invitae), Labcorp
Classification: Pathogenic. Last evaluated: 2023-11-04. Review status: criteria provided, single submitter. Criteria: Invitae Variant Classification Sherloc (09022015). Collection method: clinical testing. Allele origin: germline.
Comment: This sequence change creates a premature translational stop signal (p.Arg598Leufs*4) in the LAMB3 gene. It is expected to result in an absent or disrupted protein product. Loss-of-function variants in LAMB3 are known to be pathogenic (PMID: 11023379, 16473856). This variant is not present in population databases (gnomAD no frequency). This variant has not been reported in the literature in individuals affected with LAMB3-related conditions. For these reasons, this variant has been classified as Pathogenic.

Literature cited by the submitters: PubMed 11023379; PubMed 16473856.

NM_000228.3(LAMB3):c.1792_1793insT (p.Arg598fs)

Gene: LAMB3 (laminin subunit beta 3; minus strand). Cytogenetic location: 1q32.2.
Variant type: Insertion.
Coding change: c.1792_1793insT on transcript NM_000228.3 (MANE Select); coding-DNA positions 1792 to 1793, T inserted.
Protein change: p.Arg598fs; shifts the reading frame from arginine 598.
Molecular consequence: frameshift variant.
Genome position: GRCh38 VCF-style: chr1-209625831-C-CA. GRCh37 (hg19) VCF-style: chr1-209799176-C-CA.
Other names: c.1792_1793insT, p.Arg598fs (NM_001017402.2, NM_001127641.1); short protein forms R598fs.
Identifiers: ClinVar variation 2693175 (VCV002693175.3), dbSNP rs2464818105, ClinGen allele CA2697554870.